The following is an entry in ClinVar:

ClinVar aggregate classification (germline): Likely benign (1 of 4 stars; one submission).

Conditions:
Mucopolysaccharidosis, MPS-III-C (MPS3C). Also called: MUCOPOLYSACCHARIDOSIS, TYPE IIIC; Mucopolysaccharidosis type IIIC (Sanfilippo C); MPS IIIC (Sanfilippo Syndrome Type C); SANFILIPPO SYNDROME C; mucopolysaccharidosis type 3C; MPS III C. Identifiers: Orphanet 581, Orphanet 79271, MedGen C0086649, MONDO:0009657, OMIM 252930.

Allele frequency attached by ClinVar (database versions not stated): gnomAD 0.00544 and 0.00584; TOPMed 0.00623; 1000 Genomes Project 0.00699; 1000 Genomes Project 30x 0.00609.

Submission:

Illumina Laboratory Services, Illumina
Classification: Likely benign for Mucopolysaccharidosis, MPS-III-C. Last evaluated: 2018-01-12. Review status: criteria provided, single submitter. Criteria: ICSL Variant Classification Criteria 13 December 2019. Collection method: clinical testing. Allele origin: germline.
Comment: This variant was observed in the ICSL laboratory as part of a predisposition screen in an ostensibly healthy population. It had not been previously curated by ICSL or reported in the Human Gene Mutation Database (HGMD: prior to June 1st, 2018), and was therefore a candidate for classification through an automated scoring system. Utilizing variant allele frequency, disease prevalence and penetrance estimates, and inheritance mode, an automated score was calculated to assess if this variant is too frequent to cause the disease. Based on the score and internal cut-off values, a variant classified as likely benign is not then subjected to further curation. The score for this variant resulted in a classification of likely benign for this disease.

NM_152419.3(HGSNAT):c.*2258A>G

Gene: HGSNAT (heparan-alpha-glucosaminide N-acetyltransferase; plus strand). Cytogenetic location: 8p11.1.
Variant type: single nucleotide variant.
Coding change: c.*2258A>G on transcript NM_152419.3 (MANE Select); 2258 bases downstream of the stop codon, A replaced by G.
Molecular consequence: 3 prime UTR variant.
Genome position (GRCh38, 1-based): chr8:43,201,827, A>G. VCF-style: chr8-43201827-A-G. GRCh37 (hg19) VCF-style: chr8-43056970-A-G.
Other names: c.*2258A>G (NM_001363227.2, NM_001363228.2, NM_001363229.2).
Identifiers: ClinVar variation 363179 (VCV000363179.5), dbSNP rs78930544, ClinGen allele CA10631162.
Genomic context (GRCh38, chr8:43,201,827, plus strand): 5'-ATGGTGCCAAACACAGTGCCTTCTACATTGCAGGCGCTGAATAAACATTTTTAAAGCAAA[A>G]TGATGTGGATTTTTAAAATAAATATTTAAGTGCTGGTAAGATGAGCATGTATCCGGGGTG-3'